The following is an entry in ClinVar:

NM_182961.4(SYNE1):c.18948dup (p.Leu6317fs)

Gene: SYNE1 (spectrin repeat containing nuclear envelope protein 1; minus strand). Cytogenetic location: 6q25.2.
Variant type: Duplication.
Coding change: c.18948dup on transcript NM_182961.4 (MANE Select); coding-DNA position 18948, one base duplicated (T; older notation c.18948dupT).
Protein change: p.Leu6317fs; shifts the reading frame from leucine 6317.
Molecular consequence: frameshift variant.
Genome position (GRCh38, 1-based): chr6:152,262,056, A duplicated on the plus strand (T on the coding strand, the reverse complement: SYNE1 is on the minus strand); the first of 2 consecutive A bases (chr6:152,262,056-152,262,057); duplicating either gives the same sequence. VCF-style (leftmost placement, unchanged base first): chr6-152262055-G-GA. GRCh37 (hg19) VCF-style: chr6-152583190-G-GA.
Other names: c.18735dup, p.Leu6246fs (NM_033071.5); short protein forms L6246fs, L6317fs.
Identifiers: ClinVar variation 1996998 (VCV001996998.4), dbSNP rs2551881997, ClinGen allele CA2580075206.
Genomic context (GRCh38, chr6:152,262,055, plus strand): 5'-TTATATTAGTTAATATATAATGTAAAATATTTGATACCACTTGCTCTTGTTCCTGTTCCA[G>GA]AACATTCTGTAGTAGTTTCTGCTTGGTACTAAATTCTTGATGTAGGCTTTCCCATTTCAT-3'

ClinVar aggregate classification (germline): Pathogenic (1 of 4 stars; one submission).

Conditions:
Autosomal recessive ataxia, Beauce type. Also called: SYNE1 Deficiency; Spinocerebellar ataxia, autosomal recessive 8; ATAXIA, RECESSIVE, OF BEAUCE; SYNE1-Related Autosomal Recessive Cerebellar Ataxia. Identifiers: Orphanet 88644, MedGen C1853116, MONDO:0012549, OMIM 610743.
Emery-Dreifuss muscular dystrophy 4, autosomal dominant (EDMD4). Also called: EMERY-DREIFUSS MUSCULAR DYSTROPHY 4 WITH VARIABLE FEATURES. Identifiers: Orphanet 261, MedGen C2751807, MONDO:0013071, OMIM 612998.

Submission:

Labcorp Genetics (formerly Invitae), Labcorp
Classification: Pathogenic for Emery-Dreifuss muscular dystrophy 4, autosomal dominant; Autosomal recessive ataxia, Beauce type. Last evaluated: 2022-05-30. Review status: criteria provided, single submitter. Criteria: Invitae Variant Classification Sherloc (09022015). Collection method: clinical testing. Allele origin: germline.
Comment: For these reasons, this variant has been classified as Pathogenic. This variant has not been reported in the literature in individuals affected with SYNE1-related conditions. This variant is not present in population databases (gnomAD no frequency). This sequence change creates a premature translational stop signal (p.Leu6246Serfs*11) in the SYNE1 gene. It is expected to result in an absent or disrupted protein product. Loss-of-function variants in SYNE1 are known to be pathogenic (PMID: 19542096, 24319099, 27086870).

Literature cited by the submitters: PubMed 19542096; PubMed 24319099; PubMed 27086870.